The following is an entry in ClinVar:

ClinVar aggregate classification (germline): Uncertain significance (1 of 4 stars; one submission).

Conditions:
Hypertrophic cardiomyopathy. Also called: HYPERTROPHIC MYOCARDIOPATHY. Identifiers: Orphanet 217569, MedGen C0007194, MeSH D002312, MONDO:0005045, HP:0001639.

Allele frequency attached by ClinVar (database versions not stated): TOPMed below 0.00001.

Submission:

Labcorp Genetics (formerly Invitae), Labcorp
Classification: Uncertain significance for Hypertrophic cardiomyopathy. Last evaluated: 2020-06-17. Review status: criteria provided, single submitter. Criteria: Invitae Variant Classification Sherloc (09022015). Collection method: clinical testing. Allele origin: germline.
Comment: In summary, the available evidence is currently insufficient to determine the role of this variant in disease. Therefore, it has been classified as a Variant of Uncertain Significance. Algorithms developed to predict the effect of missense changes on protein structure and function (SIFT, PolyPhen-2, Align-GVGD) all suggest that this variant is likely to be tolerated, but these predictions have not been confirmed by published functional studies and their clinical significance is uncertain. This variant has been observed in individual(s) with hypertrophic cardiomyopathy (PMID: 25342278). This variant is not present in population databases (ExAC no frequency). This sequence change replaces aspartic acid with glutamic acid at codon 344 of the MYBPC3 protein (p.Asp344Glu). The aspartic acid residue is highly conserved and there is a small physicochemical difference between aspartic acid and glutamic acid.

Literature cited by the submitters: PubMed 25342278.

NM_000256.3(MYBPC3):c.1032C>A (p.Asp344Glu)

Gene: MYBPC3 (myosin binding protein C3; minus strand). Cytogenetic location: 11p11.2.
Variant type: single nucleotide variant.
Coding change: c.1032C>A on transcript NM_000256.3 (MANE Select); coding-DNA position 1032, C replaced by A.
Protein change: p.Asp344Glu; replaces aspartic acid 344 with glutamic acid.
Molecular consequence: missense variant.
Genome position (GRCh38, 1-based): chr11:47,346,265, G>T on the plus strand (C>A on the coding strand, the complement: MYBPC3 is on the minus strand). VCF-style: chr11-47346265-G-T. GRCh37 (hg19) VCF-style: chr11-47367816-G-T.
Other names: short protein forms D344E.
Identifiers: ClinVar variation 1044849 (VCV001044849.8), dbSNP rs1351784136, ClinGen allele CA380331272.
Genomic context (GRCh38, chr11:47,346,265, plus strand): 5'-ACCTGTGCTCTTCTTCTCATCGCGCCTCATGCCCTTGAGCCTCTTTAGCATGCCGCGCAG[G>T]TCAGTGACGCCGTACTGGAAGGCGATGCGCTCGTACTCAGATGGGGGTGCCTGCCGTAGG-3'
Protein context (NP_000247.2, residues 334-354): ERIAFQYGVT[Asp344Glu]LRGMLKRLKG